The following is an entry in ClinVar:

NM_001386795.1(DTNA):c.363-58T>C

Gene: DTNA (dystrobrevin alpha; plus strand). Cytogenetic location: 18q12.1.
Variant type: single nucleotide variant.
Coding change: c.363-58T>C on transcript NM_001386795.1 (MANE Select); 58 bases into the intron before coding-DNA position 363, T replaced by C.
Molecular consequence: intron variant.
Genome position (GRCh38, 1-based): chr18:34,806,161, T>C. VCF-style: chr18-34806161-T-C. GRCh37 (hg19) VCF-style: chr18-32386125-T-C.
Other names: c.363-58T>C (NM_032975.4, NM_001386761.1, NM_001386762.1 and 35 more transcripts).
Identifiers: ClinVar variation 671296 (VCV000671296.2), dbSNP rs4458079, ClinGen allele CA15924295.

ClinVar aggregate classification (germline): Benign. Review status: criteria provided, multiple submitters, no conflicts (2 of 4 stars). 2 submissions from 2 submitters: Benign (2). Last evaluated 2018-06-14.

Allele frequency attached by ClinVar (database versions not stated): ESP Exome Variant Server 0.09001; gnomAD 0.09905 and 0.10161; TOPMed 0.10422; gnomAD exomes 0.11684; 1000 Genomes Project 30x 0.12336; 1000 Genomes Project 0.12480.
gnomAD v4.1: 168,632 of 1,462,166 alleles (12%); highest among the groups gnomAD compares: East Asian, 20%; 10,649 homozygotes.

Submissions (2):

GeneDx
Classification: Benign. Last evaluated: 2018-06-14. Review status: criteria provided, single submitter. Criteria: GeneDx Variant Classification (06012015). Collection method: clinical testing. Allele origin: germline. Affected: yes.
Comment: This variant is considered likely benign or benign based on one or more of the following criteria: it is a conservative change, it occurs at a poorly conserved position in the protein, it is predicted to be benign by multiple in silico algorithms, and/or has population frequency not consistent with disease.

Breakthrough Genomics
Classification: Benign. Review status: criteria provided, single submitter. Criteria: ACMG Guidelines, 2015. Collection method: not provided. Allele origin: germline. Inheritance: Autosomal dominant inheritance. Affected: yes.